The following is an entry in ClinVar:

ClinVar aggregate classification (germline): Likely pathogenic (1 of 4 stars; one submission).

Conditions:
X-linked Alport syndrome (ATS1). Also called: NEPHROPATHY AND DEAFNESS, X-LINKED; COL4A5-Related Nephropathy. Identifiers: Orphanet 63, Orphanet 88917, MedGen C4746986, MONDO:0010520, OMIM 301050.

Submission:

Women's Health and Genetics/Laboratory Corporation of America, LabCorp
Classification: Likely pathogenic for X-linked Alport syndrome. Last evaluated: 2025-04-28. Review status: criteria provided, single submitter. Criteria: LabCorp Variant Classification Summary - May 2015. Collection method: clinical testing. Allele origin: germline.
Comment: Variant summary: COL4A5 c.827G>T (p.Gly276Val) results in a non-conservative amino acid change located in the triple-helical region (UniProt) of the encoded protein sequence. This missense variant disrupts a critical Gly residue at position 1 of a Gly-X-Y repeat in the collagenous domain of the collagen IV alpha 5 chain, and most COL4A5 mutations in Alport syndrome patients have been reported to disrupt these position-1 Glycine residues in the collagenous domain (PMID: 33854215). Five of five in-silico tools predict a damaging effect of the variant on protein function. The variant was absent in 183230 control chromosomes (gnomAD). To our knowledge, no occurrence of c.827G>T in individuals affected with Alport Syndrome 1, X-Linked Recessive and no experimental evidence demonstrating its impact on protein function have been reported. No submitters have reported clinical-significance assessments for this variant to ClinVar after 2014. Based on the evidence outlined above, the variant was classified as likely pathogenic.

NM_033380.3(COL4A5):c.827G>T (p.Gly276Val)

Gene: COL4A5 (collagen type IV alpha 5 chain; plus strand). Cytogenetic location: Xq22.3.
Variant type: single nucleotide variant.
Coding change: c.827G>T on transcript NM_033380.3 (MANE Select); coding-DNA position 827, G replaced by T.
Protein change: p.Gly276Val; replaces glycine 276 with valine.
Molecular consequence: missense variant.
Genome position (GRCh38, 1-based): chrX:108,580,579, G>T. VCF-style: chrX-108580579-G-T. GRCh37 (hg19) VCF-style: chrX-107823809-G-T.
Other names: c.827G>T, p.Gly276Val (NM_000495.5); short protein forms G276V.
Identifiers: ClinVar variation 2682387 (VCV002682387.3), dbSNP rs2524244259, ClinGen allele CA413925870.